The following is an entry in ClinVar:

ClinVar aggregate classification (germline): Pathogenic (1 of 4 stars; one submission).

Conditions:
Myoclonic dystonia 11 (DYT11). Also called: DYT-SGCE; Myoclonic dystonia; Dystonia 11; Dystonia, alcohol responsive; Hereditary essential myoclonus; SGCE Myoclonus-Dystonia. Identifiers: Orphanet 36899, MedGen C1834570, MONDO:0008044, OMIM 159900.

Submission:

Labcorp Genetics (formerly Invitae), Labcorp
Classification: Pathogenic for Myoclonic dystonia 11. Last evaluated: 2025-12-16. Review status: criteria provided, single submitter. Criteria: Invitae Variant Classification Sherloc (09022015). Collection method: clinical testing. Allele origin: germline.
Comment: This sequence change creates a premature translational stop signal (p.Val187*) in the SGCE gene. It is expected to result in an absent or disrupted protein product. Loss-of-function variants in SGCE are known to be pathogenic (PMID: 12821748, 15389977, 17853490, 24297365). This variant is not present in population databases (gnomAD no frequency). This variant has not been reported in the literature in individuals affected with SGCE-related conditions. ClinVar contains an entry for this variant (Variation ID: 532792). Algorithms developed to predict the effect of sequence changes on RNA splicing suggest that this variant may disrupt the consensus splice site. For these reasons, this variant has been classified as Pathogenic.

Literature cited by the submitters: PubMed 12821748; PubMed 15389977; PubMed 17853490; PubMed 24297365.

NM_003919.3(SGCE):c.559del (p.Ala186_Val187insTer)

Genes: CASD1 (CAS1 domain sialic acid O acetyltransferase 1; plus strand), SGCE (sarcoglycan epsilon; minus strand). Cytogenetic location: 7q21.3.
Variant type: Deletion.
Coding change: c.559del on transcript NM_003919.3 (MANE Select); coding-DNA position 559, one base deleted (G; older notation c.559delG).
Protein change: p.Ala186_Val187insTer.
Molecular consequence: nonsense.
Genome position (GRCh38, 1-based): chr7:94,618,861, C deleted on the plus strand (G on the coding strand, the reverse complement: SGCE is on the minus strand). VCF-style (leftmost placement, unchanged base first): chr7-94618860-AC-A. GRCh37 (hg19) VCF-style: chr7-94248172-AC-A.
Other names: c.559del, p.Ala186_Val187insTer (NM_001099400.2, NM_001099401.2, NM_001346717.2); c.436del, p.Ala145_Val146insTer (NM_001301139.2, NM_001362809.2); c.667del, p.Ala222_Val223insTer (NM_001346713.2, NM_001346715.2); c.472del, p.Ala157_Val158insTer (NM_001346719.2, NM_001362807.2); c.286del, p.Ala95_Val96insTer (NM_001346720.2, NM_001362808.2).
Identifiers: ClinVar variation 532792 (VCV000532792.6), dbSNP rs1554352906, ClinGen allele CA658796976.